The following is an entry in ClinVar:

ClinVar aggregate classification (germline): Uncertain significance (1 of 4 stars; one submission).

Submission:

Labcorp Genetics (formerly Invitae), Labcorp
Classification: Uncertain significance. Last evaluated: 2024-10-17. Review status: criteria provided, single submitter. Criteria: Invitae Variant Classification Sherloc (09022015). Collection method: clinical testing. Allele origin: germline.
Comment: This sequence change replaces lysine, which is basic and polar, with asparagine, which is neutral and polar, at codon 101 of the PROM1 protein (p.Lys101Asn). This variant also falls at the last nucleotide of exon 3, which is part of the consensus splice site for this exon. This variant is not present in population databases (gnomAD no frequency). This missense change has been observed in individual(s) with macular dystrophy (PMID: 33608557). An algorithm developed to predict the effect of missense changes on protein structure and function (PolyPhen-2) suggests that this variant is likely to be disruptive. Variants that disrupt the consensus splice site are a relatively common cause of aberrant splicing (PMID: 17576681, 9536098). Algorithms developed to predict the effect of sequence changes on RNA splicing suggest that this variant may disrupt the consensus splice site. In summary, the available evidence is currently insufficient to determine the role of this variant in disease. Therefore, it has been classified as a Variant of Uncertain Significance.

Literature cited by the submitters: PubMed 33608557; PubMed 17576681; PubMed 9536098.

NM_006017.3(PROM1):c.303G>T (p.Lys101Asn)

Gene: PROM1 (prominin 1; minus strand). Cytogenetic location: 4p15.32.
Variant type: single nucleotide variant.
Coding change: c.303G>T on transcript NM_006017.3 (MANE Select); coding-DNA position 303, G replaced by T.
Protein change: p.Lys101Asn; replaces lysine 101 with asparagine.
Molecular consequence: missense variant. On other transcripts: intron variant (7).
Genome position (GRCh38, 1-based): chr4:16,035,735, C>A on the plus strand (G>T on the coding strand, the complement: PROM1 is on the minus strand). VCF-style: chr4-16035735-C-A. GRCh37 (hg19) VCF-style: chr4-16037358-C-A.
Other names: c.303G>T, p.Lys101Asn (NM_001145849.2, NM_001145850.2); c.277-2226G>T (NM_001145848.2, NM_001145852.2, NM_001145847.2 and 4 more transcripts); short protein forms K101N.
Identifiers: ClinVar variation 3723113 (VCV003723113.2).